The following is an entry in ClinVar:

ClinVar aggregate classification (germline): Pathogenic (1 of 4 stars; one submission).

Allele frequency attached by ClinVar (database versions not stated): gnomAD exomes below 0.00001; ExAC 0.00001.

Submission:

GeneDx
Classification: Pathogenic. Last evaluated: 2017-05-19. Review status: criteria provided, single submitter. Criteria: GeneDx Variant Classification (06012015). Collection method: clinical testing. Allele origin: germline. Affected: yes.
Comment: The c.1 A>T variant in the NKX2-1 gene has not been reported previously as a pathogenic variant nor as a benign variant, to our knowledge. The c.1 A>T variant is observed in 1/58666 (0.0017%) alleles from individuals of non-Finnish background in the ExAC dataset (Lek et al., 2016). As this variant changes the translation initiator Methionine codon, the resultant protein is described as p.Met1?, using a question mark to signify that it is not known if the loss of Met1 means that all protein translation is completely prevented or if an abnormal protein is produced using an alternate Methionine. We interpret c.1 A>T as a pathogenic variant.

NM_001079668.3(NKX2-1):c.1A>T (p.Met1Leu)

Genes: NKX2-1 (NK2 homeobox 1; minus strand), NKX2-1-AS1 (NKX2-1 antisense RNA 1; plus strand). Cytogenetic location: 14q13.3.
Variant type: single nucleotide variant.
Coding change: c.1A>T on transcript NM_001079668.3 (MANE Select); coding-DNA position 1, A replaced by T.
Protein change: p.Met1Leu; changes the start codon (methionine 1).
Molecular consequence: missense variant, initiator codon variant.
Genome position (GRCh38, 1-based): chr14:36,520,129, T>A on the plus strand (A>T on the coding strand, the complement: NKX2-1 is on the minus strand). VCF-style: chr14-36520129-T-A. GRCh37 (hg19) VCF-style: chr14-36989334-T-A.
Other names: short protein forms M1L.
Identifiers: ClinVar variation 430345 (VCV000430345.3), dbSNP rs747000470, ClinGen allele CA7158631.